The following is an entry in ClinVar:

ClinVar aggregate classification (germline): Conflicting classifications of pathogenicity. Review status: criteria provided, conflicting classifications (1 of 4 stars). 2 submissions from 2 submitters: Likely pathogenic (1); Uncertain significance (1). Last evaluated 2026-01-04.

Conditions:
Hereditary spastic paraplegia 4. Also called: Familial spastic paraplegia autosomal dominant 2; Spastic paraplegia 4, autosomal dominant; Spastic Paraplegia 4. Identifiers: Orphanet 100985, MedGen C1866855, MONDO:0008438, OMIM 182601.

Submissions (2):

Labcorp Genetics (formerly Invitae), Labcorp
Classification: Likely pathogenic for Hereditary spastic paraplegia 4. Last evaluated: 2026-01-04. Review status: criteria provided, single submitter. Criteria: Invitae Variant Classification Sherloc (09022015). Collection method: clinical testing. Allele origin: germline.
Comment: This sequence change replaces alanine, which is neutral and non-polar, with valine, which is neutral and non-polar, at codon 408 of the SPAST protein (p.Ala408Val). This variant is not present in population databases (gnomAD no frequency). This missense change has been observed in individuals with hereditary spastic paraplegia (PMID: 23400676; internal data). ClinVar contains an entry for this variant (Variation ID: 586656). Invitae Evidence Modeling of protein sequence and biophysical properties (such as structural, functional, and spatial information, amino acid conservation, physicochemical variation, residue mobility, and thermodynamic stability) indicates that this missense variant is expected to disrupt SPAST protein function with a positive predictive value of 80%. In summary, the currently available evidence indicates that the variant is pathogenic, but additional data are needed to prove that conclusively. Therefore, this variant has been classified as Likely Pathogenic.

Athena Diagnostics
Classification: Uncertain significance. Last evaluated: 2025-05-27. Review status: criteria provided, single submitter. Criteria: Athena Diagnostics Criteria. Collection method: clinical testing. Allele origin: unknown.
Comment: Available data are insufficient to determine the clinical significance of the variant at this time. This variant has not been reported in large, multi-ethnic general populations. This variant has been identified in at least one individual with clinical features associated with this gene. Polyphen and MutationTaster predict this amino acid change may be damaging to the protein. The variant is located in a region that is considered important for protein function and/or structure.

Literature cited by the submitters: PubMed 23400676 (cited by Labcorp Genetics (formerly Invitae), Labcorp and Athena Diagnostics).

NM_014946.4(SPAST):c.1223C>T (p.Ala408Val)

Gene: SPAST (spastin; plus strand). Cytogenetic location: 2p22.3.
Variant type: single nucleotide variant.
Coding change: c.1223C>T on transcript NM_014946.4 (MANE Select); coding-DNA position 1223, C replaced by T.
Protein change: p.Ala408Val; replaces alanine 408 with valine.
Molecular consequence: missense variant.
Genome position (GRCh38, 1-based): chr2:32,128,457, C>T. VCF-style: chr2-32128457-C-T. GRCh37 (hg19) VCF-style: chr2-32353526-C-T.
Other names: c.1220C>T, p.Ala407Val (NM_001363823.2); c.1124C>T, p.Ala375Val (NM_001363875.2); c.1127C>T, p.Ala376Val (NM_001377959.1, NM_199436.2); short protein forms A408V, A407V, A375V, A376V.
Identifiers: ClinVar variation 586656 (VCV000586656.12), dbSNP rs1553317043, ClinGen allele CA346501472.